The following is an entry in ClinVar:

NC_012920.1(MT-ND5):m.12814G>A

Gene: MT-ND5 (mitochondrially encoded NADH dehydrogenase 5; plus strand).
Variant type: single nucleotide variant.
Genome position: chrM-12814-G-A.
Identifiers: ClinVar variation 693485 (VCV000693485.1), dbSNP rs1603223914, ClinGen allele CA414814999.

ClinVar aggregate classification (germline): Uncertain significance (1 of 4 stars; one submission).

Conditions:
Leigh syndrome (NULS). Also called: Leigh's necrotizing encephalopathy; Leigh's disease; Leigh Syndrome (mtDNA deletion); Leigh Disease; Subacute necrotizing encephalopathy; Necrotizing encephalopathy infantile subacute of Leigh. Identifiers: Orphanet 506, MedGen C2931891, MONDO:0009723, OMIM 256000.

Submission:

Wong Mito Lab, Molecular and Human Genetics, Baylor College of Medicine
Classification: Uncertain significance for Leigh syndrome. Last evaluated: 2019-10-17. Review status: criteria provided, single submitter. Criteria: Modified ACMG Guidelines (Unpublished). Collection method: clinical testing. Allele origin: germline.
Comment: The NC_012920.1:m.12814G>A (YP_003024036.1:p.Ala160Thr) variant in MTND5 gene is interpretated to be a Uncertain Significance variant based on the modified ACMG guidelines (unpublished). This variant meets the following evidence codes: no criteria